The following is an entry in ClinVar:

ClinVar aggregate classification (germline): Likely pathogenic (1 of 4 stars; one submission).

Submission:

Labcorp Genetics (formerly Invitae), Labcorp
Classification: Likely pathogenic. Last evaluated: 2026-01-11. Review status: criteria provided, single submitter. Criteria: Invitae Variant Classification Sherloc (09022015). Collection method: clinical testing. Allele origin: germline.
Comment: This sequence change affects an acceptor splice site in intron 2 of the PPP2CA gene. It is expected to disrupt RNA splicing. Variants that disrupt the donor or acceptor splice site typically lead to a loss of protein function (PMID: 16199547), and loss-of-function variants in PPP2CA are known to be pathogenic (PMID: 30595372). This variant is not present in population databases (gnomAD no frequency). This variant has not been reported in the literature in individuals affected with PPP2CA-related conditions. Algorithms developed to predict the effect of sequence changes on RNA splicing suggest that this variant may disrupt the consensus splice site. In summary, the currently available evidence indicates that the variant is pathogenic, but additional data are needed to prove that conclusively. Therefore, this variant has been classified as Likely Pathogenic.

Literature cited by the submitters: PubMed 16199547; PubMed 30595372.

NM_002715.4(PPP2CA):c.313-2A>T

Gene: PPP2CA (protein phosphatase 2 catalytic subunit alpha; minus strand). Cytogenetic location: 5q31.1.
Variant type: single nucleotide variant.
Coding change: c.313-2A>T on transcript NM_002715.4 (MANE Select); the canonical splice acceptor site of the intron before coding-DNA position 313, A replaced by T.
Molecular consequence: splice acceptor variant.
Genome position (GRCh38, 1-based): chr5:134,202,023, T>A on the plus strand (A>T on the coding strand, the complement: PPP2CA is on the minus strand). VCF-style: chr5-134202023-T-A. GRCh37 (hg19) VCF-style: chr5-133537714-T-A.
Other names: c.118-2A>T (NM_001355019.2).
Identifiers: ClinVar variation 4735092 (VCV004735092.1).